The following is an entry in ClinVar:

NM_006204.4(PDE6C):c.508A>C (p.Lys170Gln)

Gene: PDE6C (phosphodiesterase 6C; plus strand). Cytogenetic location: 10q23.33.
Variant type: single nucleotide variant.
Coding change: c.508A>C on transcript NM_006204.4 (MANE Select); coding-DNA position 508, A replaced by C.
Protein change: p.Lys170Gln; replaces lysine 170 with glutamine.
Molecular consequence: missense variant.
Genome position (GRCh38, 1-based): chr10:93,620,659, A>C. VCF-style: chr10-93620659-A-C. GRCh37 (hg19) VCF-style: chr10-95380416-A-C.
Other names: short protein forms K170Q.
Identifiers: ClinVar variation 2084224 (VCV002084224.3), dbSNP rs972687833, ClinGen allele CA211573492.

ClinVar aggregate classification (germline): Uncertain significance (1 of 4 stars; one submission).

Allele frequency attached by ClinVar (database versions not stated): gnomAD exomes 0.00001.
gnomAD v4.1: 8 of 1,614,192 alleles (0.0005%); highest among the groups gnomAD compares: South Asian, 0.0011%; no homozygotes.

Submission:

Labcorp Genetics (formerly Invitae), Labcorp
Classification: Uncertain significance. Last evaluated: 2024-10-29. Review status: criteria provided, single submitter. Criteria: Invitae Variant Classification Sherloc (09022015). Collection method: clinical testing. Allele origin: germline.
Comment: This sequence change replaces lysine, which is basic and polar, with glutamine, which is neutral and polar, at codon 170 of the PDE6C protein (p.Lys170Gln). This variant is present in population databases (no rsID available, gnomAD 0.0009%). This variant has not been reported in the literature in individuals affected with PDE6C-related conditions. ClinVar contains an entry for this variant (Variation ID: 2084224). Invitae Evidence Modeling of protein sequence and biophysical properties (such as structural, functional, and spatial information, amino acid conservation, physicochemical variation, residue mobility, and thermodynamic stability) indicates that this missense variant is not expected to disrupt PDE6C protein function with a negative predictive value of 80%. In summary, the available evidence is currently insufficient to determine the role of this variant in disease. Therefore, it has been classified as a Variant of Uncertain Significance.